The following is an entry in ClinVar:

NM_020975.6(RET):c.2417A>T (p.Tyr806Phe)

Gene: RET (ret proto-oncogene; plus strand). Cytogenetic location: 10q11.21.
Variant type: single nucleotide variant.
Coding change: c.2417A>T on transcript NM_020975.6 (MANE Select); coding-DNA position 2417, A replaced by T.
Protein change: p.Tyr806Phe; replaces tyrosine 806 with phenylalanine.
Molecular consequence: missense variant.
Genome position (GRCh38, 1-based): chr10:43,119,555, A>T. VCF-style: chr10-43119555-A-T. GRCh37 (hg19) VCF-style: chr10-43615003-A-T.
Other names: c.2417A>T, p.Tyr806Phe (NM_000323.2, NM_001406743.1, NM_001406744.1 and 4 more transcripts); c.1655A>T, p.Tyr552Phe (NM_001355216.2); c.2288A>T, p.Tyr763Phe (NM_001406761.1, NM_001406762.1, NM_001406764.1); c.2282A>T, p.Tyr761Phe (NM_001406763.1, NM_001406765.1); c.2129A>T, p.Tyr710Phe (NM_001406766.1, NM_001406767.1, NM_001406770.1); c.2153A>T, p.Tyr718Phe (NM_001406768.1); c.2021A>T, p.Tyr674Phe (NM_001406769.1, NM_001406772.1); c.1979A>T, p.Tyr660Phe (NM_001406771.1, NM_001406773.1); and 10 more; short protein forms Y323F, Y371F, Y411F, Y462F, Y464F, Y467F, Y476F, Y507F.
Identifiers: ClinVar variation 3227527 (VCV003227527.1), dbSNP rs377767419, ClinGen allele CA376556075.
Genomic context (GRCh38, chr10:43,119,555, plus strand): 5'-ACCCGCACGCCCAGGGCCCCCTCTCTCCGCCCCCAGGCCCGCTCCTCCTCATCGTGGAGT[A>T]CGCCAAATACGGCTCCCTGCGGGGCTTCCTCCGCGAGAGCCGCAAAGTGGGGCCTGGCTA-3'
Protein context (NP_066124.1, residues 796-816): QDGPLLLIVE[Tyr806Phe]AKYGSLRGFL

ClinVar aggregate classification (germline): Uncertain significance (1 of 4 stars; one submission).

Conditions:
Hereditary cancer-predisposing syndrome. Also called: Neoplastic Syndromes, Hereditary; Tumor predisposition; Hereditary neoplastic syndrome; Hereditary Cancer Syndrome. Identifiers: Orphanet 140162, MedGen C0027672, MeSH D009386, MONDO:0015356.

Submission:

Ambry Genetics
Classification: Uncertain significance for Hereditary cancer-predisposing syndrome. Last evaluated: 2023-12-18. Review status: criteria provided, single submitter. Criteria: Ambry Variant Classification Scheme 2023. Collection method: clinical testing. Allele origin: germline.
Comment: The p.Y806F variant (also known as c.2417A>T), located in coding exon 14 of the RET gene, results from an A to T substitution at nucleotide position 2417. The tyrosine at codon 806 is replaced by phenylalanine, an amino acid with highly similar properties. This amino acid position is highly conserved in available vertebrate species. In addition, the in silico prediction for this alteration is inconclusive. This variant is considered to be rare based on population cohorts in the Genome Aggregation Database (gnomAD). Since supporting evidence is limited at this time, the clinical significance of this alteration remains unclear.